The following is an entry in ClinVar:

NM_001040151.2(SCN3B):c.410C>T (p.Thr137Met)

Gene: SCN3B (sodium voltage-gated channel beta subunit 3; minus strand). Cytogenetic location: 11q24.1.
Variant type: single nucleotide variant.
Coding change: c.410C>T on transcript NM_001040151.2 (MANE Select); coding-DNA position 410, C replaced by T.
Protein change: p.Thr137Met; replaces threonine 137 with methionine.
Molecular consequence: missense variant.
Genome position (GRCh38, 1-based): chr11:123,642,481, G>A on the plus strand (C>T on the coding strand, the complement: SCN3B is on the minus strand). VCF-style: chr11-123642481-G-A. GRCh37 (hg19) VCF-style: chr11-123513189-G-A.
Other names: c.410C>T, p.Thr137Met (NM_018400.4); short protein forms T137M.
Identifiers: ClinVar variation 950266 (VCV000950266.9), dbSNP rs750476444, ClinGen allele CA6334023.

ClinVar aggregate classification (germline): Conflicting classifications of pathogenicity. Review status: criteria provided, conflicting classifications (1 of 4 stars). 2 submissions from 2 submitters: Uncertain significance (1); Benign (1). Last evaluated 2025-12-30.

Conditions:
Brugada syndrome 7 (BRGDA7). Identifiers: Orphanet 130, MedGen C2751088, MONDO:0013146, OMIM 613120.
Cardiovascular phenotype. Identifiers: MedGen CN230736.

Allele frequency attached by ClinVar (database versions not stated): TOPMed 0.00002; ExAC 0.00003; gnomAD exomes 0.00003 and 0.00004; gnomAD 0.00001.
gnomAD v4.1: 44 of 1,614,026 alleles (0.0027%); highest among the groups gnomAD compares: South Asian, 0.018%; 2 homozygotes.

Submissions (2):

Ambry Genetics
Classification: Benign for Cardiovascular phenotype. Last evaluated: 2025-12-30. Review status: criteria provided, single submitter. Criteria: Ambry Variant Classification Scheme 2023. Collection method: clinical testing. Allele origin: germline.

Labcorp Genetics (formerly Invitae), Labcorp
Classification: Uncertain significance for Brugada syndrome 7. Last evaluated: 2023-03-31. Review status: criteria provided, single submitter. Criteria: Invitae Variant Classification Sherloc (09022015). Collection method: clinical testing. Allele origin: germline.
Comment: This sequence change replaces threonine, which is neutral and polar, with methionine, which is neutral and non-polar, at codon 137 of the SCN3B protein (p.Thr137Met). This variant is present in population databases (rs750476444, gnomAD 0.01%). This variant has not been reported in the literature in individuals affected with SCN3B-related conditions. ClinVar contains an entry for this variant (Variation ID: 950266). An algorithm developed to predict the effect of missense changes on protein structure and function (PolyPhen-2) suggests that this variant¬† is likely to be tolerated. In summary, the available evidence is currently insufficient to determine the role of this variant in disease. Therefore, it has been classified as a Variant of Uncertain Significance.